The following is an entry in ClinVar:

NM_001354604.2(MITF):c.1183C>T (p.Leu395Phe)

Gene: MITF (melanocyte inducing transcription factor; plus strand). Cytogenetic location: 3p13.
Variant type: single nucleotide variant.
Coding change: c.1183C>T on transcript NM_001354604.2 (MANE Select); coding-DNA position 1183, C replaced by T.
Protein change: p.Leu395Phe; replaces leucine 395 with phenylalanine.
Molecular consequence: missense variant.
Genome position (GRCh38, 1-based): chr3:69,964,850, C>T. VCF-style: chr3-69964850-C-T. GRCh37 (hg19) VCF-style: chr3-70014001-C-T.
Other names: c.1009C>T, p.Leu337Phe (NM_001354608.2, NM_001184967.2); c.1162C>T, p.Leu388Phe (NM_006722.3, NM_001354606.2); c.844C>T, p.Leu282Phe (NM_198158.3); c.1165C>T, p.Leu389Phe (NM_198159.3); c.1117C>T, p.Leu373Phe (NM_198177.3); c.676C>T, p.Leu226Phe (NM_198178.3); c.862C>T, p.Leu288Phe (NM_000248.4); c.1180C>T, p.Leu394Phe (NM_001354605.2); and 1 more; short protein forms L226F, L282F, L288F, L337F, L372F, L373F, L388F, L389F.
Identifiers: ClinVar variation 4860067 (VCV004860067.1).

ClinVar aggregate classification (germline): Uncertain significance (1 of 4 stars; one submission).

Conditions:
Hereditary cancer-predisposing syndrome. Also called: Neoplastic Syndromes, Hereditary; Tumor predisposition; Hereditary Cancer Syndrome; Hereditary neoplastic syndrome. Identifiers: Orphanet 140162, MedGen C0027672, MeSH D009386, MONDO:0015356.

gnomAD v4.1: 2 of 1,614,056 alleles (0.00012%); highest among the groups gnomAD compares: Middle Eastern, 0.016%; no homozygotes.

Submission:

Ambry Genetics
Classification: Uncertain significance for Hereditary cancer-predisposing syndrome. Last evaluated: 2026-05-04. Review status: criteria provided, single submitter. Criteria: Ambry Variant Classification Scheme 2023. Collection method: clinical testing. Allele origin: germline.
Comment: The p.L288F variant (also known as c.862C>T), located in coding exon 9 of the MITF gene, results from a C to T substitution at nucleotide position 862. The leucine at codon 288 is replaced by phenylalanine, an amino acid with highly similar properties. This amino acid position is conserved. In addition, the in silico prediction for this alteration is inconclusive. Based on the available evidence, the clinical significance of this variant remains unclear.